The following is an entry in ClinVar:

ClinVar aggregate classification (germline): Uncertain significance. Review status: criteria provided, single submitter (1 of 4 stars). 2 submissions from 2 submitters: Uncertain significance (1). 1 of the submissions does not count toward it. Last evaluated 2016-09-22.

Conditions:
Inborn genetic diseases. Identifiers: MedGen C0950123, MeSH D030342.
Intellectual developmental disorder, X-linked, syndromic, Hedera type. Also called: Syndromic X-linked intellectual disability Hedera type. Identifiers: Orphanet 93952, MedGen C1845543, MONDO:0010319, OMIM 300423.

Submissions (2):

Ambry Genetics
Classification: Uncertain significance for Inborn genetic diseases. Last evaluated: 2016-09-22. Review status: criteria provided, single submitter. Criteria: Ambry Variant Classification Scheme 2023. Collection method: clinical testing. Allele origin: germline.
Comment: The c.168+6T>A intronic variant results from a T to A substitution 6 nucleotides after coding exon 2 in the ATP6AP2 gene. This variant was not reported in population based cohorts in the following databases: Database of Single Nucleotide Polymorphisms (dbSNP), NHLBI Exome Sequencing Project (ESP), and 1000 Genomes Project. In the ESP, this variant was not observed in 6503 samples with coverage at this position. Using two different splice site prediction tools, this alteration is predicted by BDGP to abolish the native splice donor site, but is predicted to weaken (but not abolish) the efficiency of the native splice donor site by ESEfinder; however, direct evidence is unavailable. Since supporting evidence is limited at this time, the clinical significance of this alteration remains unclear.

OMIM
Classification: Pathogenic for INTELLECTUAL DEVELOPMENTAL DISORDER, X-LINKED, SYNDROMIC, HEDERA TYPE. Last evaluated: 2021-08-20. Review status: no assertion criteria provided. Collection method: literature only. Allele origin: germline. Not counted in ClinVar's aggregate classification.

Literature cited by the submitters: PubMed 26467484 (cited by Ambry Genetics and OMIM).

NM_005765.3(ATP6AP2):c.168+6T>A

Gene: ATP6AP2 (ATPase H+ transporting accessory protein 2; plus strand). Cytogenetic location: Xp11.4.
Variant type: single nucleotide variant.
Coding change: c.168+6T>A on transcript NM_005765.3 (MANE Select); 6 bases into the intron after coding-DNA position 168, T replaced by A.
Molecular consequence: intron variant.
Genome position (GRCh38, 1-based): chrX:40,589,122, T>A. VCF-style: chrX-40589122-T-A. GRCh37 (hg19) VCF-style: chrX-40448374-T-A.
Other names: IVS2DS, T-A, +6.
Identifiers: ClinVar variation 375269 (VCV000375269.5), dbSNP rs1057519331, ClinGen allele CA16044023.
Genomic context (GRCh38, chrX:40,589,122, plus strand): 5'-AGGAGAGCGGATCCCAGACGTGGCTGCATTGTCCATGGGCTTCTCTGTGAAAGAAGTATG[T>A]ATATATTTTTTAAATGTTTGGAGCTGCTTTTAAGAACATTTTTACTGATTTCTGCTAATA-3'